The following is an entry in ClinVar:

ClinVar aggregate classification (germline): Uncertain significance (1 of 4 stars; one submission).

Conditions:
Gorlin syndrome. Also called: Nevoid Basal Cell Carcinoma Syndrome; Basal cell nevus syndrome. Identifiers: Orphanet 377, MedGen C0004779, MONDO:0007187.

Submission:

Labcorp Genetics (formerly Invitae), Labcorp
Classification: Uncertain significance for Gorlin syndrome. Last evaluated: 2024-12-18. Review status: criteria provided, single submitter. Criteria: Invitae Variant Classification Sherloc (09022015). Collection method: clinical testing. Allele origin: germline.
Comment: This sequence change replaces tyrosine, which is neutral and polar, with histidine, which is basic and polar, at codon 847 of the PTCH1 protein (p.Tyr847His). This variant is not present in population databases (gnomAD no frequency). This variant has not been reported in the literature in individuals affected with PTCH1-related conditions. Invitae Evidence Modeling of protein sequence and biophysical properties (such as structural, functional, and spatial information, amino acid conservation, physicochemical variation, residue mobility, and thermodynamic stability) indicates that this missense variant is not expected to disrupt PTCH1 protein function with a negative predictive value of 95%. In summary, the available evidence is currently insufficient to determine the role of this variant in disease. Therefore, it has been classified as a Variant of Uncertain Significance.

NM_000264.5(PTCH1):c.2539T>C (p.Tyr847His)

Genes: PTCH1 (patched 1; minus strand), LOC100507346 (uncharacterized LOC100507346; plus strand). Cytogenetic location: 9q22.32.
Variant type: single nucleotide variant.
Coding change: c.2539T>C on transcript NM_000264.5 (MANE Select); coding-DNA position 2539, T replaced by C.
Protein change: p.Tyr847His; replaces tyrosine 847 with histidine.
Molecular consequence: missense variant. On other transcripts: non-coding transcript variant (2).
Genome position (GRCh38, 1-based): chr9:95,467,137, A>G on the plus strand (T>C on the coding strand, the complement: PTCH1 is on the minus strand). VCF-style: chr9-95467137-A-G. GRCh37 (hg19) VCF-style: chr9-98229419-A-G.
Other names: c.2341T>C, p.Tyr781His (NM_001083602.3); c.2536T>C, p.Tyr846His (NM_001083603.3); c.2086T>C, p.Tyr696His (NM_001083604.3, NM_001083605.3, NM_001083606.3 and 1 more transcripts); c.2383T>C, p.Tyr795His (NM_001354918.2); short protein forms Y795H, Y846H, Y847H, Y696H, Y781H.
Identifiers: ClinVar variation 3656498 (VCV003656498.2).
Genomic context (GRCh38, chr9:95,467,137, plus strand): 5'-AAAAGACCGAAAGGACGAGAGCCTCCCACGCCGTCTTACCCTGAAGCCAGTCTCTGAAGT[A>G]GTGCAGCCACATTTTGGGAAGCTGTTTGTTTTCTTCCAACATGACATACTTCACGTTACT-3'
Protein context (NP_000255.2, residues 837-857): NKQLPKMWLH[Tyr847His]FRDWLQGLQD